The following is an entry in ClinVar:

ClinVar aggregate classification (germline): Uncertain significance (1 of 4 stars; one submission).

gnomAD v4.1: 3 of 1,610,178 alleles (0.00019%); highest among the groups gnomAD compares: East Asian, 0.0022%; no homozygotes.

Submission:

Labcorp Genetics (formerly Invitae), Labcorp
Classification: Uncertain significance. Last evaluated: 2024-07-01. Review status: criteria provided, single submitter. Criteria: Invitae Variant Classification Sherloc (09022015). Collection method: clinical testing. Allele origin: germline.
Comment: This sequence change replaces lysine, which is basic and polar, with glutamic acid, which is acidic and polar, at codon 108 of the SUCLG2 protein (p.Lys108Glu). This variant is present in population databases (rs368342485, gnomAD 0.01%). This variant has not been reported in the literature in individuals affected with SUCLG2-related conditions. An algorithm developed to predict the effect of missense changes on protein structure and function (PolyPhen-2) suggests that this variant is likely to be tolerated. In summary, the available evidence is currently insufficient to determine the role of this variant in disease. Therefore, it has been classified as a Variant of Uncertain Significance.

NM_003848.4(SUCLG2):c.322A>G (p.Lys108Glu)

Gene: SUCLG2 (succinate-CoA ligase GDP-forming subunit beta; minus strand). Cytogenetic location: 3p14.1.
Variant type: single nucleotide variant.
Coding change: c.322A>G on transcript NM_003848.4 (MANE Select); coding-DNA position 322, A replaced by G.
Protein change: p.Lys108Glu; replaces lysine 108 with glutamic acid.
Molecular consequence: missense variant.
Genome position (GRCh38, 1-based): chr3:67,529,091, T>C on the plus strand (A>G on the coding strand, the complement: SUCLG2 is on the minus strand). VCF-style: chr3-67529091-T-C. GRCh37 (hg19) VCF-style: chr3-67579515-T-C.
Other names: c.322A>G, p.Lys108Glu (NM_001177599.2); short protein forms K108E.
Identifiers: ClinVar variation 3627382 (VCV003627382.2).
Genomic context (GRCh38, chr3:67,529,091, plus strand): 5'-AAGATCTTCCATAACTGCTTGGCCAAAAGACAAGGAATAACAACCTCCAGACTTACTCTT[T>C]TGTTAAATGAACACCTCCTTTCAAACCACTATTGAAGACACCTTTTCCTCTTCCTCCAGC-3'
Protein context (NP_003839.2, residues 98-118): SGLKGGVHLT[Lys108Glu]DPNVVGQLAK